The following is an entry in ClinVar:

NM_001849.4(COL6A2):c.673G>A (p.Glu225Lys)

Gene: COL6A2 (collagen type VI alpha 2 chain; plus strand). Cytogenetic location: 21q22.3.
Variant type: single nucleotide variant.
Coding change: c.673G>A on transcript NM_001849.4 (MANE Select); coding-DNA position 673, G replaced by A.
Protein change: p.Glu225Lys; replaces glutamic acid 225 with lysine.
Molecular consequence: missense variant.
Genome position (GRCh38, 1-based): chr21:46,112,536, G>A. VCF-style: chr21-46112536-G-A. GRCh37 (hg19) VCF-style: chr21-47532450-G-A.
Other names: c.673G>A, p.Glu225Lys (NM_058174.3, NM_058175.3); short protein forms E225K.
Identifiers: ClinVar variation 656729 (VCV000656729.11), dbSNP rs770150581, ClinGen allele CA10071371.
Genomic context (GRCh38, chr21:46,112,536, plus strand): 5'-GCCAGCACGCCGCACGAGCTCTACCGCAACGACTACGCCACCATGCTGCCCGACTCCACC[G>A]AGATCGACCAGGACACCATCAACCGCATCATCAAGGTCATGGTGAGCCGCGGGCGGGAGC-3'
Protein context (NP_001840.3, residues 215-235): DYATMLPDST[Glu225Lys]IDQDTINRII

ClinVar aggregate classification (germline): Uncertain significance. Review status: criteria provided, multiple submitters, no conflicts (2 of 4 stars). 2 submissions from 2 submitters: Uncertain significance (2). Last evaluated 2025-03-17.

Conditions:
Inborn genetic diseases. Identifiers: MedGen C0950123, MeSH D030342.
Bethlem myopathy 1A. Also called: Bethlem Muscular Dystrophy; Bethlem myopathy 1; MYOPATHY, BENIGN CONGENITAL, WITH CONTRACTURES. Identifiers: Orphanet 610, MedGen CN029274, MONDO:0024530, OMIM 158810.

Allele frequency attached by ClinVar (database versions not stated): gnomAD 0.00003; gnomAD exomes below 0.00001 and 0.00001; TOPMed below 0.00001; ExAC 0.00001.
gnomAD v4.1: 19 of 1,611,828 alleles (0.0012%); highest among the groups gnomAD compares: Admixed American, 0.0083%; no homozygotes.

Submissions (2):

Labcorp Genetics (formerly Invitae), Labcorp
Classification: Uncertain significance for Bethlem myopathy 1A. Last evaluated: 2025-03-17. Review status: criteria provided, single submitter. Criteria: Invitae Variant Classification Sherloc (09022015). Collection method: clinical testing. Allele origin: germline.
Comment: This sequence change replaces glutamic acid, which is acidic and polar, with lysine, which is basic and polar, at codon 225 of the COL6A2 protein (p.Glu225Lys). The frequency data for this variant in the population databases is considered unreliable, as metrics indicate poor data quality at this position in the gnomAD database. This variant has not been reported in the literature in individuals affected with COL6A2-related conditions. ClinVar contains an entry for this variant (Variation ID: 656729). Invitae Evidence Modeling of protein sequence and biophysical properties (such as structural, functional, and spatial information, amino acid conservation, physicochemical variation, residue mobility, and thermodynamic stability) indicates that this missense variant is not expected to disrupt COL6A2 protein function with a negative predictive value of 95%. In summary, the available evidence is currently insufficient to determine the role of this variant in disease. Therefore, it has been classified as a Variant of Uncertain Significance.

Ambry Genetics
Classification: Uncertain significance for Inborn genetic diseases. Last evaluated: 2023-07-19. Review status: criteria provided, single submitter. Criteria: Ambry Variant Classification Scheme 2023. Collection method: clinical testing. Allele origin: germline.